The following is an entry in ClinVar:

NM_006231.4(POLE):c.2706+6T>G

Gene: POLE (DNA polymerase epsilon, catalytic subunit; minus strand). Cytogenetic location: 12q24.33.
Variant type: single nucleotide variant.
Coding change: c.2706+6T>G on transcript NM_006231.4 (MANE Select); 6 bases into the intron after coding-DNA position 2706, T replaced by G.
Molecular consequence: intron variant.
Genome position (GRCh38, 1-based): chr12:132,663,998, A>C on the plus strand (T>G on the coding strand, the complement: POLE is on the minus strand). VCF-style: chr12-132663998-A-C. GRCh37 (hg19) VCF-style: chr12-133240584-A-C.
Identifiers: ClinVar variation 1044154 (VCV001044154.8), dbSNP rs2042734239, ClinGen allele CA2072996761.

ClinVar aggregate classification (germline): Uncertain significance (1 of 4 stars; one submission).

Allele frequency attached by ClinVar (database versions not stated): gnomAD exomes below 0.00001.
gnomAD v4.1: 1 of 1,613,612 alleles (0.000062%); highest among the groups gnomAD compares: Non-Finnish European, 0.000085%; no homozygotes.

Submission:

Labcorp Genetics (formerly Invitae), Labcorp
Classification: Uncertain significance. Last evaluated: 2020-06-30. Review status: criteria provided, single submitter. Criteria: Invitae Variant Classification Sherloc (09022015). Collection method: clinical testing. Allele origin: germline.
Comment: In summary, the available evidence is currently insufficient to determine the role of this variant in disease. Therefore, it has been classified as a Variant of Uncertain Significance. Nucleotide substitutions within the consensus splice site are a relatively common cause of aberrant splicing (PMID: 17576681, 9536098). Algorithms developed to predict the effect of sequence changes on RNA splicing suggest that this variant is not likely to affect RNA splicing, but this prediction has not been confirmed by published transcriptional studies. This variant has not been reported in the literature in individuals with POLE-related conditions. This variant is not present in population databases (ExAC no frequency). This sequence change falls in intron 23 of the POLE gene. It does not directly change the encoded amino acid sequence of the POLE protein, but it affects a nucleotide within the consensus splice site of the intron.

Literature cited by the submitters: PubMed 17576681; PubMed 9536098.